The following is an entry in ClinVar:

ClinVar aggregate classification (germline): Uncertain significance (1 of 4 stars; one submission).

Conditions:
Cardiovascular phenotype. Identifiers: MedGen CN230736.

Submission:

Ambry Genetics
Classification: Uncertain significance for Cardiovascular phenotype. Last evaluated: 2019-05-15. Review status: criteria provided, single submitter. Criteria: Ambry Variant Classification Scheme 2023. Collection method: clinical testing. Allele origin: germline.
Comment: The c.1060_1062delGGCinsCGT variant (also known as p.G354R), located in coding exon 10 of the MYH7 gene, results from an in-frame deletion of GGC and insertion of CGT at nucleotide positions 1060 to 1062. This results in the substitution of the glycine residue for an arginine residue at codon 354, an amino acid with dissimilar properties located in the head domain. Another variant affecting this codon (p.G354S, c.1060G>A) has been reported in a hypertrophic cardiomyopathy cohort; however, details were limited (Alfares AA et al. Genet. Med., 2015 Nov;17:880-8). This amino acid position is highly conserved in available vertebrate species. Since supporting evidence is limited at this time, the clinical significance of this alteration remains unclear.

Literature cited by the submitters: PubMed 25611685.

NM_000257.4(MYH7):c.1060_1062delinsCGT (p.Gly354Arg)

Gene: MYH7 (myosin heavy chain 7; minus strand). Cytogenetic location: 14q11.2.
Variant type: Indel.
Coding change: c.1060_1062delinsCGT on transcript NM_000257.4 (MANE Select); coding-DNA positions 1060 to 1062, GGC replaced by CGT.
Protein change: p.Gly354Arg; replaces glycine 354 with arginine.
Molecular consequence: missense variant.
Genome position (GRCh38, 1-based): chr14:23,429,851-23,429,853, GCC replaced by ACG on the plus strand (GGC replaced by CGT on the coding strand, the reverse complement: MYH7 is on the minus strand). VCF-style: chr14-23429851-GCC-ACG. GRCh37 (hg19) VCF-style: chr14-23899060-GCC-ACG.
Other names: c.1060_1062delGGCinsCGT, p.Gly354Arg (NM_001407004.1); c.1060_1062delGGCinsCGT (NM_000257.4); short protein forms G354R.
Identifiers: ClinVar variation 1780076 (VCV001780076.2), dbSNP rs2502305488, ClinGen allele CA2580088098.